The following is an entry in ClinVar:

ClinVar aggregate classification (germline): Conflicting classifications of pathogenicity. Review status: criteria provided, conflicting classifications (1 of 4 stars). 8 submissions from 8 submitters: Uncertain significance (3); Likely benign (4). 1 of the submissions does not count toward it. Last evaluated 2026-01-19.

Conditions:
Glycogen storage disease, type II (IOPD). Also called: Glucosidase acid-1,4-alpha deficiency; Pompe Disease; POMPE DISEASE, INFANTILE-ONSET; GLYCOGEN STORAGE DISEASE II, INFANTILE-ONSET; ACID ALPHA-GLUCOSIDASE DEFICIENCY, INFANTILE-ONSET; GAA DEFICIENCY, INFANTILE-ONSET. Identifiers: Orphanet 365, MedGen C0017921, MONDO:0009290, OMIM 232300.
Cardiovascular phenotype. Identifiers: MedGen CN230736.

Allele frequency attached by ClinVar (database versions not stated): gnomAD exomes 0.00004; ExAC 0.00006; 1000 Genomes Project 0.00020; gnomAD 0.00024 and 0.00026; TOPMed 0.00030; 1000 Genomes Project 30x 0.00031; ESP Exome Variant Server 0.00031.
gnomAD v4.1: 95 of 1,613,322 alleles (0.0059%); highest among the groups gnomAD compares: African/African-American, 0.08%; no homozygotes.

Submissions (8):

Labcorp Genetics (formerly Invitae), Labcorp
Classification: Likely benign for Glycogen storage disease, type II. Last evaluated: 2026-01-19. Review status: criteria provided, single submitter. Criteria: Invitae Variant Classification Sherloc (09022015). Collection method: clinical testing. Allele origin: germline.

Genome-Nilou Lab
Classification: Uncertain significance for Glycogen storage disease, type II. Last evaluated: 2021-07-22. Review status: criteria provided, single submitter. Criteria: ACMG Guidelines, 2015. Collection method: clinical testing. Allele origin: germline. Affected: no.

GeneDx
Classification: Likely benign. Last evaluated: 2020-07-13. Review status: criteria provided, single submitter. Criteria: GeneDx Variant Classification Process June 2021. Collection method: clinical testing. Allele origin: germline. Affected: yes.

Ambry Genetics
Classification: Likely benign for Cardiovascular phenotype. Last evaluated: 2020-03-19. Review status: criteria provided, single submitter. Criteria: Ambry Variant Classification Scheme 2023. Collection method: clinical testing. Allele origin: germline.

Broad Center for Mendelian Genomics, Broad Institute of MIT and Harvard
Classification: Likely benign for Glycogen storage disease, type II. Last evaluated: 2020-01-22. Review status: criteria provided, single submitter. Criteria: ACMG Guidelines, 2015. Collection method: curation. Allele origin: germline. Inheritance: Autosomal recessive inheritance.
Comment: The c.2736G>A (p.Ala912=) variant in GAA has not been previously reported in individuals with Glycogen Storage Disease II but has been reported as a VUS by EGL Genetic Diagnostics and a likely benign variant by Invitae and GeneDx in ClinVar (Variation ID: 384066). This variant has been identified in 0.028% (7/24932) of African chromosomes by the Genome Aggregation Database (gnomAD; dbSNP rs142472738). Although this variant has been seen in the general population, its frequency is low enough to be consistent with a recessive carrier frequency. Computational prediction tools and conservation analyses suggest that this variant may not impact the protein, though this information is not predictive enough to rule out pathogenicity. However, novel synonymous variants supported by computational evidence without raised suspicion for an impact are likely benign (Richards 2015). In summary, although additional studies are required to fully establish its clinical significance, this variant is likely benign. ACMG/AMP Criteria applied: PM2, BP4, BP7 (Richards 2015).

Illumina Laboratory Services, Illumina
Classification: Uncertain significance for Glycogen storage disease, type II. Last evaluated: 2018-01-12. Review status: criteria provided, single submitter. Criteria: ICSL Variant Classification Criteria 13 December 2019. Collection method: clinical testing. Allele origin: germline.

Eurofins Ntd Llc (ga)
Classification: Uncertain significance. Last evaluated: 2016-10-31. Review status: criteria provided, single submitter. Criteria: EGL Classification Definitions 2015. Collection method: clinical testing. Allele origin: germline. Observed: 4 variant alleles, 4 heterozygotes.

Natera, Inc.
Classification: Likely benign for Glycogen storage disease type II. Last evaluated: 2020-02-05. Review status: no assertion criteria provided. Collection method: clinical testing. Allele origin: germline. Not counted in ClinVar's aggregate classification.

NM_000152.5(GAA):c.2736G>A (p.Ala912=)

Gene: GAA (alpha glucosidase; plus strand). Cytogenetic location: 17q25.3.
Variant type: single nucleotide variant.
Coding change: c.2736G>A on transcript NM_000152.5 (MANE Select); coding-DNA position 2736, G replaced by A.
Protein change: p.Ala912=; no amino-acid change (alanine 912 retained).
Molecular consequence: synonymous variant.
Genome position (GRCh38, 1-based): chr17:80,118,742, G>A. VCF-style: chr17-80118742-G-A. GRCh37 (hg19) VCF-style: chr17-78092541-G-A.
Other names: c.2736G>A (LRG_673t1); c.2736G>A, p.Ala912= (NM_001079803.3, NM_001079804.3).
Identifiers: ClinVar variation 384066 (VCV000384066.36), dbSNP rs142472738, ClinGen allele CA8815842.